The following is an entry in ClinVar:

NM_000038.6(APC):c.70C>T (p.Arg24Ter)

Gene: APC (APC regulator of Wnt signaling pathway; plus strand). Cytogenetic location: 5q22.2.
Variant type: single nucleotide variant.
Coding change: c.70C>T on transcript NM_000038.6 (MANE Select); coding-DNA position 70, C replaced by T.
Protein change: p.Arg24Ter; replaces arginine 24 with a stop codon.
Molecular consequence: nonsense. On other transcripts: 5 prime UTR variant (1), intron variant (8).
Genome position (GRCh38, 1-based): chr5:112,754,960, C>T. VCF-style: chr5-112754960-C-T. GRCh37 (hg19) VCF-style: chr5-112090657-C-T.
Other names: NM_000038.6(APC):c.70C>T; p.Arg24Ter; c.70C>T, p.Arg24Ter (NM_001127510.3, NM_001354895.2, NM_001354896.2 and 2 more transcripts); c.-966C>T (NM_001354906.2); c.166-11366C>T (NM_001354897.2, NM_001354902.2, NM_001127511.3); c.61-11366C>T (NM_001354898.2, NM_001354904.2); c.-42-11366C>T (NM_001354900.2, NM_001354901.2, NM_001354905.2); short protein forms R24*.
Identifiers: ClinVar variation 184702 (VCV000184702.64), dbSNP rs145945630, ClinGen allele CA012843.

ClinVar aggregate classification (germline): Uncertain significance. Review status: reviewed by expert panel (3 of 4 stars). 20 submissions from 20 submitters: Uncertain significance (1). 19 of the submissions do not count toward it. Last evaluated 2025-05-15.

Conditions:
Classic or attenuated familial adenomatous polyposis. Identifiers: MedGen CN372698, MONDO:0021057.
Attenuated familial adenomatous polyposis (AFAP). Also called: Attenuated FAP. Identifiers: Orphanet 220460, MedGen C2674616, MONDO:0016362.
APC-related disorder. Also called: APC-related condition.
Neoplasm of stomach. Also called: Neoplasm of the stomach; Stomach Neoplasms; Gastric neoplasm. Identifiers: MedGen C0038356, MONDO:0021085, HP:0006753. Disease mechanism: gain of function. Inheritance: Somatic mutation.
Desmoid disease, hereditary (DESMD). Also called: FIBROMATOSIS, FAMILIAL INFILTRATIVE. Identifiers: Orphanet 873, MedGen C1851124, OMIM 135290. Disease mechanism: loss of function.
Hepatocellular carcinoma (HCC). Also called: Primary carcinoma of liver; HEPATOMA; LIVER CELL CARCINOMA. Identifiers: Orphanet 88673, MedGen C2239176, MONDO:0007256, OMIM 114550, HP:0001402.
Familial adenomatous polyposis 1 (FAP1). Also called: FAMILIAL ADENOMATOUS POLYPOSIS 1, ATTENUATED; POLYPOSIS, ADENOMATOUS INTESTINAL. Identifiers: MedGen C2713442, MONDO:0021056, OMIM 175100. Disease mechanism: loss of function.
Carcinoma of colon (CRC). Also called: Colonic carcinoma; Colon carcinoma. Identifiers: MedGen C0699790, MONDO:0002032.
Gastric cancer. Also called: Stomach cancer; Malignant tumor of stomach. Identifiers: MedGen C0024623, MeSH D013274, MONDO:0001056, OMIM 613659, HP:0012126.
Hereditary cancer-predisposing syndrome. Also called: Tumor predisposition; Neoplastic Syndromes, Hereditary; Hereditary neoplastic syndrome; Hereditary Cancer Syndrome. Identifiers: Orphanet 140162, MedGen C0027672, MeSH D009386, MONDO:0015356.
Familial multiple polyposis syndrome (FAP). Also called: Familial polyposis; Classic familial adenomatous polyposis; Familial adenomatous polyposis; Familial intestinal polyposis; Familial Adenomatous Polyposis (FAP). Identifiers: Orphanet 733, MedGen C0032580, MONDO:0021055. Disease mechanism: loss of function.

Allele frequency attached by ClinVar (database versions not stated): TOPMed below 0.00001; ExAC 0.00002; gnomAD exomes 0.00002 and 0.00004; gnomAD 0.00003; ESP Exome Variant Server 0.00008.
gnomAD v4.1: 26 of 1,613,748 alleles (0.0016%); highest among the groups gnomAD compares: East Asian, 0.0022%; no homozygotes.

Submissions 1 to 5 of 20:

ClinGen InSiGHT Hereditary Colorectal Cancer/Polyposis Variant Curation Expert Panel
Classification: Uncertain significance for Familial adenomatous polyposis 1. Last evaluated: 2025-05-15. Review status: reviewed by expert panel. Criteria: ClinGen InSiGHT HCCP VCEP ACMG Specifications APC V1. Collection method: curation. Allele origin: germline. Inheritance: Autosomal dominant inheritance.
Comment: The NM_000038.6(APC):c.70C>T (p.Arg24Ter) in APC is a nonsense variant located 5’ of codon 49, thus PVS1 is not applicable based on the ACMG/AMP criteria specified by the ClinGen InSiGHT Hereditary Colorectal Cancer/Polyposis VCEP (HCCP VCEP). The total minor allele frequency in gnomAD v2.1.1 (non-cancer) is 0.00002 (6/268,098 alleles), however, no value is given for the “filtering allele frequency” (FAF) (PM2_Supporting and BS1 not met). This variant has been observed in heterozygous state in 67 individuals, which are reported either with a very mild polyposis phenotype (only 3 carriers fulfilled 0.5 phenotype points each; PS4_Supporting) or without a colorectal cancer/polyposis associated phenotype (at least 10 healthy unrelated adult individuals worth ≥ 10 healthy individual points in total; BS2) (PMID: 28135145 and 18433509, internal data Ambry Genetics, GeneDX and Labcorp Genetics (formerly Invitae)). Due to conflicting evidence, this variant is classified as a variant of uncertain significance for autosomal-dominant inherited FAP based on the ACMG/AMP criteria applied, as specified by the HCCP VCEP: criterion PS4_Supporting and BS2 applied (VCEP specifications version v2.1.0; date of approval 11/24/2023).

Labcorp Genetics (formerly Invitae), Labcorp
Classification: Pathogenic for Familial adenomatous polyposis 1. Last evaluated: 2025-11-03. Review status: criteria provided, single submitter. Criteria: Invitae Variant Classification Sherloc (09022015). Collection method: clinical testing. Allele origin: germline. Not counted in ClinVar's aggregate classification.
Comment: This sequence change creates a premature translational stop signal (p.Arg24*) in the APC gene. It is expected to result in an absent or disrupted protein product. Loss-of-function variants in APC are known to be pathogenic (PMID: 17963004, 20685668). This variant is present in population databases (rs145945630, gnomAD 0.02%). This premature translational stop signal has been observed in individual(s) with Lynch syndrome and attenuated familial adenomatous polyposis (FAP) (PMID: 12034871, 16461775, 18433509, 25980754). ClinVar contains an entry for this variant (Variation ID: 184702). RNA analysis performed to evaluate the impact of this premature translational stop signal on mRNA splicing indicates it does not significantly alter splicing (internal data). For these reasons, this variant has been classified as Pathogenic.

University of Washington Department of Laboratory Medicine, University of Washington
Classification: Pathogenic for Familial adenomatous polyposis 1. Last evaluated: 2025-10-07. Review status: criteria provided, single submitter. Criteria: Shirts BH et al. (Am J Hum Genet 2018). Collection method: clinical testing. Allele origin: germline. Affected: yes. Not counted in ClinVar's aggregate classification.
Comment: We classify the APC c.70C>T (p.Arg24Ter) variant as pathogenic based on internal and published evidence. Polyp sequencing demonstrated additional APC mutations, consistent with APC driven polyposis. This alteration introduces a premature stop codon in coding exon 1 and is predicted to cause nonsense-mediated decay, consistent with a loss-of-function mechanism. Loss-of-function variants in APC are a well-established cause of familial adenomatous polyposis (FAP), meeting PVS1 (ACMG/AMP). Variants introducing premature termination codons in the 5′ region of APC are associated with attenuated polyposis and may show reduced penetrance compared to classic FAP, supporting clinical correlation. This variant is absent from large population databases, including gnomAD v4.0.0, meeting PM2_supporting. Together, the predicted loss-of-function effect, observation in a patient with APC-driven polyposis, absence from population databases, and prior report in association with attenuated FAP support a pathogenic classification for this variant.

Color Diagnostics, LLC DBA Color Health
Classification: Likely pathogenic for Hereditary cancer-predisposing syndrome. Last evaluated: 2025-04-09. Review status: criteria provided, single submitter. Criteria: ACMG Guidelines, 2015. Collection method: clinical testing. Allele origin: germline. Not counted in ClinVar's aggregate classification.
Comment: This variant changes 1 nucleotide in exon 2 of the APC gene, creating a premature translation stop signal. Alterations that cause premature truncation in the amino (N-) terminus of the APC protein have been associated with an attenuated phenotype and may have reduced penetrance and/or expressivity in comparison to classic familial adenomatous polyposis syndrome (FAP; PMID: 9585611, 11257105). This nonsense variant has been observed in individuals affected with attenuated familial adenomatous polyposis (AFAP) as well as in individuals lacking clinical features of AFAP (PMID: 18433509, communications with external laboratories), which suggests that this variant may have reduced penetrance and/or expressivity compared to individuals with conventional AFAP (PMID: 34666312). This variant also has been reported in an individual affected with a Lynch syndrome-associated cancer and/or colorectal polyps (PMID: 25980754). This variant has been identified in 7/282632 chromosomes in the general population by the Genome Aggregation Database (gnomAD). Loss of APC function is a known mechanism of disease. Based on the available evidence, this variant is classified as Likely Pathogenic with reduced penetrance.

Ambry Genetics
Classification: Pathogenic for Hereditary cancer-predisposing syndrome. Last evaluated: 2025-01-09. Review status: criteria provided, single submitter. Criteria: Ambry Variant Classification Scheme 2023. Collection method: clinical testing. Allele origin: germline. Not counted in ClinVar's aggregate classification.
Comment: The p.R24* pathogenic mutation (also known as c.70C>T), located in coding exon 1 of the APC gene, results from a C to T substitution at nucleotide position 70. This changes the amino acid from an arginine to a stop codon within coding exon 1. In addition to the clinical data presented in the literature, this alteration is expected to result in loss of function by premature protein truncation or nonsense-mediated mRNA decay. As such, this alteration is interpreted as a disease-causing mutation. However, alterations that result in premature termination in coding exon 1 are associated with an attenuated phenotype and may have reduced penetrance compared to classic familial adenomatous polyposis syndrome. Clinical correlation is advised.